The following is an entry in ClinVar:

ClinVar aggregate classification (germline): Uncertain significance (1 of 4 stars; one submission).

Allele frequency attached by ClinVar (database versions not stated): gnomAD exomes below 0.00001; TOPMed below 0.00001; gnomAD 0.00001.
gnomAD v4.1: 2 of 1,614,058 alleles (0.00012%); highest among the groups gnomAD compares: South Asian, 0.0011%; no homozygotes.

Submission:

Labcorp Genetics (formerly Invitae), Labcorp
Classification: Uncertain significance. Last evaluated: 2023-03-31. Review status: criteria provided, single submitter. Criteria: Invitae Variant Classification Sherloc (09022015). Collection method: clinical testing. Allele origin: germline.
Comment: An algorithm developed to predict the effect of missense changes on protein structure and function (PolyPhen-2) suggests that this variant is likely to be tolerated. In summary, the available evidence is currently insufficient to determine the role of this variant in disease. Therefore, it has been classified as a Variant of Uncertain Significance. This variant has not been reported in the literature in individuals affected with ARHGEF10-related conditions. The frequency data for this variant in the population databases is considered unreliable, as metrics indicate poor data quality at this position in the gnomAD database. This sequence change replaces glutamine, which is neutral and polar, with histidine, which is basic and polar, at codon 823 of the ARHGEF10 protein (p.Gln823His).

NM_014629.4(ARHGEF10):c.2469G>T (p.Gln823His)

Gene: ARHGEF10 (Rho guanine nucleotide exchange factor 10; plus strand). Cytogenetic location: 8p23.3.
Variant type: single nucleotide variant.
Coding change: c.2469G>T on transcript NM_014629.4 (MANE Select); coding-DNA position 2469, G replaced by T.
Protein change: p.Gln823His; replaces glutamine 823 with histidine.
Molecular consequence: missense variant.
Genome position (GRCh38, 1-based): chr8:1,923,855, G>T. VCF-style: chr8-1923855-G-T. GRCh37 (hg19) VCF-style: chr8-1872021-G-T.
Other names: c.2355G>T, p.Gln785His (NM_001308152.2); c.2469G>T, p.Gln823His (NM_001308153.3); short protein forms Q785H, Q823H, Q847H.
Identifiers: ClinVar variation 2851778 (VCV002851778.3), dbSNP rs1174184679, ClinGen allele CA369966068.